The following is an entry in ClinVar:

NM_000143.4(FH):c.747T>A (p.Ser249Arg)

Gene: FH (fumarate hydratase; minus strand). Cytogenetic location: 1q43.
Variant type: single nucleotide variant.
Coding change: c.747T>A on transcript NM_000143.4 (MANE Select); coding-DNA position 747, T replaced by A.
Protein change: p.Ser249Arg; replaces serine 249 with arginine.
Molecular consequence: missense variant.
Genome position (GRCh38, 1-based): chr1:241,506,160, A>T on the plus strand (T>A on the coding strand, the complement: FH is on the minus strand). VCF-style: chr1-241506160-A-T. GRCh37 (hg19) VCF-style: chr1-241669460-A-T.
Other names: short protein forms S249R.
Identifiers: ClinVar variation 2748404 (VCV002748404.3), dbSNP rs2527323159, ClinGen allele CA345439110.

ClinVar aggregate classification (germline): Uncertain significance (1 of 4 stars; one submission).

Submission:

Labcorp Genetics (formerly Invitae), Labcorp
Classification: Uncertain significance. Last evaluated: 2023-07-30. Review status: criteria provided, single submitter. Criteria: Invitae Variant Classification Sherloc (09022015). Collection method: clinical testing. Allele origin: germline.
Comment: In summary, the available evidence is currently insufficient to determine the role of this variant in disease. Therefore, it has been classified as a Variant of Uncertain Significance. Advanced modeling of protein sequence and biophysical properties (such as structural, functional, and spatial information, amino acid conservation, physicochemical variation, residue mobility, and thermodynamic stability) performed at Invitae indicates that this missense variant is expected to disrupt FH protein function. This variant has not been reported in the literature in individuals affected with FH-related conditions. This variant is not present in population databases (gnomAD no frequency). This sequence change replaces serine, which is neutral and polar, with arginine, which is basic and polar, at codon 249 of the FH protein (p.Ser249Arg).